The following is an entry in ClinVar:

ClinVar aggregate classification (germline): Pathogenic/Likely pathogenic. Review status: criteria provided, multiple submitters, no conflicts (2 of 4 stars). 2 submissions from 2 submitters: Pathogenic (1); Likely pathogenic (1). Last evaluated 2026-08-06.

Conditions:
Joubert syndrome 21 (JBTS21). Identifiers: MedGen C3810212, MONDO:0014288, OMIM 615636.

Submissions (2):

OLLIN Analises Genomicas, OLLIN
Classification: Likely pathogenic for Joubert syndrome 21. Last evaluated: 2026-08-06. Review status: criteria provided, single submitter. Criteria: ACMG Guidelines 2015 PMID 25741868. Collection method: clinical testing. Allele origin: germline. Inheritance: Autosomal recessive inheritance.
Comment: This frameshift variant, located in exon 20 (of 31), is absent from gnomAD and has not been identified in the literature. However, it has been reported in ClinVar (accession VCV002428500.4). This variant causes a frameshift and introduces a premature stop codon, which is predicted to result in either a truncated protein or degradation of the mRNA via nonsense-mediated decay (NMD). According to the currently available evidence, this variant has been classified as likely pathogenic (PVS1, PM2_P).

Pediatric/Medical Genetics, Ministry of Health, Qatif Central Hospital
Classification: Pathogenic for Joubert syndrome 21. Review status: criteria provided, single submitter. Criteria: ACMG Guidelines, 2015. Collection method: clinical testing. Allele origin: germline. Inheritance: Autosomal recessive inheritance. Affected: yes.

NM_001382391.1(CSPP1):c.2373_2374del (p.Lys794fs)

Gene: CSPP1 (centrosome and spindle pole associated protein 1; plus strand). Cytogenetic location: 8q13.2.
Variant type: Deletion.
Coding change: c.2373_2374del on transcript NM_001382391.1 (MANE Select); coding-DNA positions 2373 to 2374, 2 bases deleted (AA; older notation c.2373_2374delAA).
Protein change: p.Lys794fs; shifts the reading frame from lysine 794.
Molecular consequence: frameshift variant.
Genome position (GRCh38, 1-based): chr8:67,158,578-67,158,579, AA deleted; deleting any 2 consecutive bases within chr8:67,158,576-67,158,579 gives the same sequence; the c. name uses the placement nearest the transcript's 3' end. VCF-style (leftmost placement, unchanged base first): chr8-67158575-GAA-G. GRCh37 (hg19) VCF-style: chr8-68070810-GAA-G.
Other names: c.1323_1324del, p.Lys444fs (NM_001291339.2); c.2292_2293del, p.Lys767fs (NM_001363131.2); c.2178_2179del, p.Lys729fs (NM_001363132.2); c.2097_2098del, p.Lys702fs (NM_001363133.2); c.2439_2440del, p.Lys816fs (NM_001364869.1); c.2259_2260del, p.Lys756fs (NM_001364870.1); c.2358_2359delAA, p.Lys789Argfs (NM_024790.7); short protein forms K444fs, K702fs, K729fs, K756fs, K767fs, K789fs, K794fs, K816fs.
Identifiers: ClinVar variation 2428500 (VCV002428500.5), dbSNP rs2489688253, ClinGen allele CA2580078903.